The following is an entry in ClinVar:

NM_000287.4(PEX6):c.1611C>G (p.Asp537Glu)

Gene: PEX6 (peroxisomal biogenesis factor 6; minus strand). Cytogenetic location: 6p21.1.
Variant type: single nucleotide variant.
Coding change: c.1611C>G on transcript NM_000287.4 (MANE Select); coding-DNA position 1611, C replaced by G.
Protein change: p.Asp537Glu; replaces aspartic acid 537 with glutamic acid.
Molecular consequence: missense variant. On other transcripts: non-coding transcript variant (1).
Genome position (GRCh38, 1-based): chr6:42,968,367, G>C on the plus strand (C>G on the coding strand, the complement: PEX6 is on the minus strand). VCF-style: chr6-42968367-G-C. GRCh37 (hg19) VCF-style: chr6-42936105-G-C.
Other names: c.1347C>G, p.Asp449Glu (NM_001316313.2); short protein forms D449E, D537E.
Identifiers: ClinVar variation 1488886 (VCV001488886.4), dbSNP rs2114244744, ClinGen allele CA364154246.
Genomic context (GRCh38, chr6:42,968,367, plus strand): 5'-ATTGAGGAGGAGGTGACGCAGCACAGCCATCACACGGGCATCCTCACCCAGCCCATCACG[G>C]TCCCGGCCCAGAAGGTCCACAGCTGTGAGCAACAGGACTGCAGGCCGGCAACGGCGGGCC-3'
Protein context (NP_000278.3, residues 527-547): LLTAVDLLGR[Asp537Glu]RDGLGEDARV

ClinVar aggregate classification (germline): Uncertain significance (1 of 4 stars; one submission).

Conditions:
Peroxisome biogenesis disorder. Identifiers: Orphanet 79189, MedGen C1832200, MONDO:0019234. Disease mechanism: loss of function.

Submission:

Labcorp Genetics (formerly Invitae), Labcorp
Classification: Uncertain significance for Peroxisome biogenesis disorder. Last evaluated: 2021-11-14. Review status: criteria provided, single submitter. Criteria: Invitae Variant Classification Sherloc (09022015). Collection method: clinical testing. Allele origin: germline.
Comment: In summary, the available evidence is currently insufficient to determine the role of this variant in disease. Therefore, it has been classified as a Variant of Uncertain Significance. Algorithms developed to predict the effect of missense changes on protein structure and function output the following: SIFT: "Tolerated"; PolyPhen-2: "Benign"; Align-GVGD: "Class C0". The glutamic acid amino acid residue is found in multiple mammalian species, which suggests that this missense change does not adversely affect protein function. This variant has not been reported in the literature in individuals affected with PEX6-related conditions. This variant is not present in population databases (gnomAD no frequency). This sequence change replaces aspartic acid, which is acidic and polar, with glutamic acid, which is acidic and polar, at codon 537 of the PEX6 protein (p.Asp537Glu).